The following is an entry in ClinVar:

ClinVar aggregate classification (germline): Uncertain significance (1 of 4 stars; one submission).

Conditions:
Cystic fibrosis (CF). Also called: MUCOVISCIDOSIS. Identifiers: Orphanet 586, MedGen C0010674, MONDO:0009061, OMIM 219700. Disease mechanism: loss of function.

Submission:

Ambry Genetics
Classification: Uncertain significance for Cystic fibrosis. Last evaluated: 2025-07-07. Review status: criteria provided, single submitter. Criteria: Ambry Variant Classification Scheme 2023. Collection method: clinical testing. Allele origin: germline.
Comment: The p.A1217S variant (also known as c.3649G>T), located in coding exon 22 of the CFTR gene, results from a G to T substitution at nucleotide position 3649. The alanine at codon 1217 is replaced by serine, an amino acid with similar properties. This amino acid position is conserved. In addition, the in silico prediction for this alteration is inconclusive. Based on the available evidence, the clinical significance of this variant remains unclear.

NM_000492.4(CFTR):c.3649G>T (p.Ala1217Ser)

Genes: CFTR (CF transmembrane conductance regulator; plus strand), CFTR-AS2 (CFTR antisense RNA 2; minus strand). Cytogenetic location: 7q31.2.
Variant type: single nucleotide variant.
Coding change: c.3649G>T on transcript NM_000492.4 (MANE Select); coding-DNA position 3649, G replaced by T.
Protein change: p.Ala1217Ser; replaces alanine 1217 with serine.
Molecular consequence: missense variant.
Genome position (GRCh38, 1-based): chr7:117,627,702, G>T. VCF-style: chr7-117627702-G-T. GRCh37 (hg19) VCF-style: chr7-117267756-G-T.
Other names: short protein forms A1217S.
Identifiers: ClinVar variation 4227406 (VCV004227406.1).
Genomic context (GRCh38, chr7:117,627,702, plus strand): 5'-CACGTGAAGAAAGATGACATCTGGCCCTCAGGGGGCCAAATGACTGTCAAAGATCTCACA[G>T]CAAAATACACAGAAGGTGGAAATGCCATATTAGAGAACATTTCCTTCTCAATAAGTCCTG-3'
Protein context (NP_000483.3, residues 1207-1227): GGQMTVKDLT[Ala1217Ser]KYTEGGNAIL